The following is an entry in ClinVar:

ClinVar aggregate classification (germline): Conflicting classifications of pathogenicity. Review status: criteria provided, conflicting classifications (1 of 4 stars). 3 submissions from 3 submitters: Uncertain significance (1); Likely benign (2). Last evaluated 2026-01-15.

Conditions:
Cardiac arrhythmia. Also called: Cardiac rhythm disease; Arrhythmia. Identifiers: MedGen C0003811, MONDO:0007263, HP:0011675.
Long QT syndrome (LQTS). Identifiers: MedGen C0023976, MeSH D008133, MONDO:0002442. Disease mechanism: loss of function. Inheritance: Various modes of inheritance.

Allele frequency attached by ClinVar (database versions not stated): gnomAD exomes 0.00004 and 0.00007; 1000 Genomes Project 30x 0.00016; TOPMed 0.00002; gnomAD 0.00005 and 0.00004; ExAC 0.00011; 1000 Genomes Project 0.00020.
gnomAD v4.1: 68 of 1,564,240 alleles (0.0043%); highest among the groups gnomAD compares: Admixed American, 0.0056%; no homozygotes.

Submissions (3):

Labcorp Genetics (formerly Invitae), Labcorp
Classification: Likely benign for Long QT syndrome. Last evaluated: 2026-01-15. Review status: criteria provided, single submitter. Criteria: Invitae Variant Classification Sherloc (09022015). Collection method: clinical testing. Allele origin: germline.

GeneDx
Classification: Uncertain significance. Last evaluated: 2023-09-05. Review status: criteria provided, single submitter. Criteria: GeneDx Variant Classification Process June 2021. Collection method: clinical testing. Allele origin: germline.
Comment: Identified in two individuals with phenotype of unspecified arrhythmia in the literature (PMID: 30847666); In silico analysis supports that this missense variant does not alter protein structure/function; Reported using an alternate transcript of the gene; This variant is associated with the following publications: (PMID: 30847666)

Color Diagnostics, LLC DBA Color Health
Classification: Likely benign for Arrhythmia. Last evaluated: 2018-11-16. Review status: criteria provided, single submitter. Criteria: ACMG Guidelines, 2015. Collection method: clinical testing. Allele origin: germline.

NM_000238.4(KCNH2):c.1128+1869C>T

Gene: KCNH2 (potassium voltage-gated channel subfamily H member 2; minus strand). Cytogenetic location: 7q36.1.
Variant type: single nucleotide variant.
Coding change: c.1128+1869C>T on transcript NM_000238.4 (MANE Select); 1869 bases into the intron after coding-DNA position 1128, C replaced by T.
Molecular consequence: intron variant. On other transcripts: missense variant (2), non-coding transcript variant (1).
Genome position (GRCh38, 1-based): chr7:150,955,422, G>A on the plus strand (C>T on the coding strand, the complement: KCNH2 is on the minus strand). VCF-style: chr7-150955422-G-A. GRCh37 (hg19) VCF-style: chr7-150652510-G-A.
Other names: c.82C>T, p.Arg28Cys (NM_001204798.2, NM_172057.3); c.840+1869C>T (NM_001406753.1, NM_001406756.1); c.1128+1869C>T (NM_172056.3); c.951+1869C>T (NM_001406755.1); c.828+1869C>T (NM_001406757.1); short protein forms R28C.
Identifiers: ClinVar variation 695712 (VCV000695712.55), dbSNP rs62492438, ClinGen allele CA027036.